The following is an entry in ClinVar:

NM_001375524.1(TRRAP):c.3536A>G (p.Asn1179Ser)

Gene: TRRAP (transformation/transcription domain associated protein; plus strand). Cytogenetic location: 7q22.1.
Variant type: single nucleotide variant.
Coding change: c.3536A>G on transcript NM_001375524.1 (MANE Select); coding-DNA position 3536, A replaced by G.
Protein change: p.Asn1179Ser; replaces asparagine 1179 with serine.
Molecular consequence: missense variant.
Genome position (GRCh38, 1-based): chr7:98,930,775, A>G. VCF-style: chr7-98930775-A-G. GRCh37 (hg19) VCF-style: chr7-98528398-A-G.
Other names: c.3536A>G, p.Asn1179Ser (NM_001244580.2, NM_003496.4); short protein forms N1179S.
Identifiers: ClinVar variation 5008037 (VCV005008037.1).

ClinVar aggregate classification (germline): Uncertain significance (1 of 4 stars; one submission).

gnomAD v4.1: 4 of 1,614,222 alleles (0.00025%); highest among the groups gnomAD compares: Non-Finnish European, 0.00034%; no homozygotes.

Submission:

GeneDx
Classification: Uncertain significance. Last evaluated: 2026-02-27. Review status: criteria provided, single submitter. Criteria: GeneDx Variant Classification Process June 2021. Collection method: clinical testing. Allele origin: germline.
Comment: Not observed at significant frequency in large population cohorts (gnomAD); In silico analysis supports that this missense variant has a deleterious effect on protein structure/function; Has not been previously published as pathogenic or benign to our knowledge